The following is an entry in ClinVar:

NM_000038.6(APC):c.5990del (p.Gly1997fs)

Gene: APC (APC regulator of Wnt signaling pathway; plus strand). Cytogenetic location: 5q22.2.
Variant type: Deletion.
Coding change: c.5990del on transcript NM_000038.6 (MANE Select); coding-DNA position 5990, one base deleted (G; older notation c.5990delG).
Protein change: p.Gly1997fs; shifts the reading frame from glycine 1997.
Molecular consequence: frameshift variant. On other transcripts: non-coding transcript variant (2).
Genome position (GRCh38, 1-based): chr5:112,841,584, G deleted; the last of 3 consecutive G bases (chr5:112,841,582-112,841,584); deleting any one gives the same sequence. VCF-style (leftmost placement, unchanged base first): chr5-112841581-AG-A. GRCh37 (hg19) VCF-style: chr5-112177278-AG-A.
Other names: c.5990del, p.Gly1997fs (NM_001127510.3, NM_001354895.2, NM_001407450.1); c.5936del, p.Gly1979fs (NM_001127511.3); c.6044del, p.Gly2015fs (NM_001354896.2, NM_001407447.1, NM_001407448.1 and 1 more transcripts); c.6020del, p.Gly2007fs (NM_001354897.2); c.5915del, p.Gly1972fs (NM_001354898.2); c.5906del, p.Gly1969fs (NM_001354899.2); c.5867del, p.Gly1956fs (NM_001354900.2); c.5813del, p.Gly1938fs (NM_001354901.2, NM_001407453.1); and 11 more; short protein forms G1613fs, G1714fs, G1837fs, G1868fs, G1871fs, G1896fs, G1906fs, G1914fs.
Identifiers: ClinVar variation 2583944 (VCV002583944.2), dbSNP rs2533683229, ClinGen allele CA2582341496.

ClinVar aggregate classification (germline): Pathogenic (1 of 4 stars; one submission).

Conditions:
Familial adenomatous polyposis 1 (FAP1). Also called: FAMILIAL ADENOMATOUS POLYPOSIS 1, ATTENUATED; POLYPOSIS, ADENOMATOUS INTESTINAL. Identifiers: MedGen C2713442, MONDO:0021056, OMIM 175100. Disease mechanism: loss of function.

Submission:

Myriad Genetics, Inc.
Classification: Pathogenic for Familial adenomatous polyposis 1. Last evaluated: 2023-05-15. Review status: criteria provided, single submitter. Criteria: Myriad Autosomal Dominant, Autosomal Recessive and X-Linked Classification Criteria (2023). Collection method: clinical testing. Allele origin: unknown.
Comment: This variant is considered pathogenic. This variant creates a frameshift predicted to result in premature protein truncation.